The following is an entry in ClinVar:

ClinVar aggregate classification (germline): Uncertain significance. Review status: criteria provided, multiple submitters, no conflicts (2 of 4 stars). 2 submissions from 2 submitters: Uncertain significance (2). Last evaluated 2025-01-19.

Conditions:
Fanconi anemia (FA). Also called: Fanconi's anemia. Identifiers: Orphanet 84, MedGen C0015625, MeSH D005199, MONDO:0019391.
Inborn genetic diseases. Identifiers: MedGen C0950123, MeSH D030342.

Allele frequency attached by ClinVar (database versions not stated): TOPMed below 0.00001; gnomAD 0.00001.
gnomAD v4.1: 5 of 1,612,632 alleles (0.00031%); highest among the groups gnomAD compares: Non-Finnish European, 0.00034%; no homozygotes.

Submissions (2):

Ambry Genetics
Classification: Uncertain significance for Inborn genetic diseases. Last evaluated: 2025-01-19. Review status: criteria provided, single submitter. Criteria: Ambry Variant Classification Scheme 2023. Collection method: clinical testing. Allele origin: germline.
Comment: The p.D534N variant (also known as c.1600G>A), located in coding exon 10 of the FANCM gene, results from a G to A substitution at nucleotide position 1600. The aspartic acid at codon 534 is replaced by asparagine, an amino acid with highly similar properties. This amino acid position is conserved. In addition, this alteration is predicted to be tolerated by in silico analysis. Based on the available evidence, the clinical significance of this variant remains unclear.

Labcorp Genetics (formerly Invitae), Labcorp
Classification: Uncertain significance for Fanconi anemia. Last evaluated: 2024-07-01. Review status: criteria provided, single submitter. Criteria: Invitae Variant Classification Sherloc (09022015). Collection method: clinical testing. Allele origin: germline.
Comment: This sequence change replaces aspartic acid, which is acidic and polar, with asparagine, which is neutral and polar, at codon 534 of the FANCM protein (p.Asp534Asn). This variant is present in population databases (no rsID available, gnomAD 0.007%). This variant has not been reported in the literature in individuals affected with FANCM-related conditions. ClinVar contains an entry for this variant (Variation ID: 1490143). An algorithm developed to predict the effect of missense changes on protein structure and function (PolyPhen-2) suggests that this variant is likely to be tolerated. In summary, the available evidence is currently insufficient to determine the role of this variant in disease. Therefore, it has been classified as a Variant of Uncertain Significance.

NM_020937.4(FANCM):c.1600G>A (p.Asp534Asn)

Gene: FANCM (FA complementation group M; plus strand). Cytogenetic location: 14q21.2.
Variant type: single nucleotide variant.
Coding change: c.1600G>A on transcript NM_020937.4 (MANE Select); coding-DNA position 1600, G replaced by A.
Protein change: p.Asp534Asn; replaces aspartic acid 534 with asparagine.
Molecular consequence: missense variant.
Genome position (GRCh38, 1-based): chr14:45,164,377, G>A. VCF-style: chr14-45164377-G-A. GRCh37 (hg19) VCF-style: chr14-45633580-G-A.
Other names: c.1600G>A (NM_020937.2); c.1522G>A, p.Asp508Asn (NM_001308133.2); c.1600G>A, p.Asp534Asn (NM_001308134.2); short protein forms D508N, D534N.
Identifiers: ClinVar variation 1490143 (VCV001490143.7), dbSNP rs1392286222, ClinGen allele CA389593466.
Genomic context (GRCh38, chr14:45,164,377, plus strand): 5'-TTACATTTGCATGTAGTTATTTTTCAATTGTTTTTATTTTAGGTAGTGAAACAGTTTCGT[G>A]ACGGTGGTTACAACACGCTGGTTTCTACCTGTGTGGGTGAAGAAGGTTTGGATATAGGAG-3'
Protein context (NP_065988.1, residues 524-544): EQLEVVKQFR[Asp534Asn]GGYNTLVSTC